The following is an entry in ClinVar:

NM_003924.4(PHOX2B):c.865G>A (p.Gly289Ser)

Gene: PHOX2B (paired like homeobox 2B; minus strand). Cytogenetic location: 4p13.
Variant type: single nucleotide variant.
Coding change: c.865G>A on transcript NM_003924.4 (MANE Select); coding-DNA position 865, G replaced by A.
Protein change: p.Gly289Ser; replaces glycine 289 with serine.
Molecular consequence: missense variant.
Genome position (GRCh38, 1-based): chr4:41,745,887, C>T on the plus strand (G>A on the coding strand, the complement: PHOX2B is on the minus strand). VCF-style: chr4-41745887-C-T. GRCh37 (hg19) VCF-style: chr4-41747904-C-T.
Other names: short protein forms G289S.
Identifiers: ClinVar variation 576023 (VCV000576023.14), dbSNP rs769663483, ClinGen allele CA2901400.

ClinVar aggregate classification (germline): Conflicting classifications of pathogenicity. Review status: criteria provided, conflicting classifications (1 of 4 stars). 4 submissions from 4 submitters: Uncertain significance (3); Likely benign (1). Last evaluated 2025-10-01.

Conditions:
Neuroblastoma, susceptibility to, 2. Identifiers: Orphanet 635, MedGen C2751682, MONDO:0700041, OMIM 613013.
Central hypoventilation syndrome, congenital, 1, with or without Hirschsprung disease (CCHS1). Also called: AUTONOMIC CONTROL, CONGENITAL FAILURE OF; ONDINE CURSE, CONGENITAL; Congenital Central Hypoventilation Syndrome (CCHS); Central hypoventilation syndrome, congenital, 1, with or without Hirschsprung; CENTRAL HYPOVENTILATION SYNDROME, CONGENITAL, 1. Identifiers: Orphanet 661, MedGen C5562075, MONDO:0800026, OMIM 209880.
Hereditary cancer-predisposing syndrome. Also called: Tumor predisposition; Hereditary neoplastic syndrome; Hereditary Cancer Syndrome; Neoplastic Syndromes, Hereditary. Identifiers: Orphanet 140162, MedGen C0027672, MeSH D009386, MONDO:0015356.
Haddad syndrome (OHD). Also called: Ondine-Hirschsprung disease. Identifiers: Orphanet 99803, MedGen C1859049, MONDO:0020493.

Allele frequency attached by ClinVar (database versions not stated): gnomAD 0.00001; gnomAD exomes 0.00001; TOPMed 0.00001; ExAC 0.00002.

Submissions (4):

Labcorp Genetics (formerly Invitae), Labcorp
Classification: Uncertain significance for Haddad syndrome. Last evaluated: 2025-10-01. Review status: criteria provided, single submitter. Criteria: Invitae Variant Classification Sherloc (09022015). Collection method: clinical testing. Allele origin: germline.
Comment: This sequence change replaces glycine, which is neutral and non-polar, with serine, which is neutral and polar, at codon 289 of the PHOX2B protein (p.Gly289Ser). This variant is present in population databases (rs769663483, gnomAD 0.003%). This variant has not been reported in the literature in individuals affected with PHOX2B-related conditions. ClinVar contains an entry for this variant (Variation ID: 576023). Experimental studies and prediction algorithms are not available or were not evaluated, and the functional significance of this variant is currently unknown. In summary, the available evidence is currently insufficient to determine the role of this variant in disease. Therefore, it has been classified as a Variant of Uncertain Significance.

Fulgent Genetics
Classification: Uncertain significance for Central hypoventilation syndrome, congenital, 1, with or without Hirschsprung disease; Neuroblastoma, susceptibility to, 2. Last evaluated: 2024-02-13. Review status: criteria provided, single submitter. Criteria: ACMG Guidelines, 2015. Collection method: clinical testing. Allele origin: germline.

GeneDx
Classification: Uncertain significance. Last evaluated: 2022-12-28. Review status: criteria provided, single submitter. Criteria: GeneDx Variant Classification Process June 2021. Collection method: clinical testing. Allele origin: germline. Affected: yes.
Comment: Not observed at significant frequency in large population cohorts (gnomAD); In silico analysis supports that this missense variant does not alter protein structure/function; Identified in a pediatric patient with leukemia (Zhang et al., 2015); This variant is associated with the following publications: (PMID: 26580448)

Ambry Genetics
Classification: Likely benign for Hereditary cancer-predisposing syndrome. Last evaluated: 2022-05-31. Review status: criteria provided, single submitter. Criteria: Ambry Variant Classification Scheme 2023. Collection method: clinical testing. Allele origin: germline.

Literature cited by the submitters: PubMed 26580448 (cited by Ambry Genetics).